The following is an entry in ClinVar:

ClinVar aggregate classification (germline): Uncertain significance (1 of 4 stars; one submission).

Submission:

Women's Health and Genetics/Laboratory Corporation of America, LabCorp
Classification: Uncertain significance. Last evaluated: 2026-02-18. Review status: criteria provided, single submitter. Criteria: LabCorp Variant Classification Summary - May 2015. Collection method: clinical testing. Allele origin: germline.
Comment: Variant summary: POLR2A c.5449A>G (p.Thr1817Ala) results in a non-conservative amino acid change located in the RNA polymerase II, heptapeptide repeat region (IPR000684) of the encoded protein sequence. Algorithms developed to predict the effect of missense changes on protein structure and function are either unavailable or do not agree on the potential impact of this missense change. The variant allele was found at a frequency of 1.6e-05 in 251440 control chromosomes. The available data on variant occurrences in the general population are insufficient to allow any conclusion about variant significance. To our knowledge, no occurrence of c.5449A>G in individuals affected with POLR2A-related conditions and no experimental evidence demonstrating its impact on protein function have been reported. No submitters have cited clinical-significance assessments for this variant to ClinVar. Based on the evidence outlined above, the variant was classified as uncertain significance.

NM_000937.5(POLR2A):c.5449A>G (p.Thr1817Ala)

Gene: POLR2A (RNA polymerase II subunit A; plus strand). Cytogenetic location: 17p13.1.
Variant type: single nucleotide variant.
Coding change: c.5449A>G on transcript NM_000937.5 (MANE Select); coding-DNA position 5449, A replaced by G.
Protein change: p.Thr1817Ala; replaces threonine 1817 with alanine.
Molecular consequence: missense variant.
Genome position (GRCh38, 1-based): chr17:7,513,713, A>G. VCF-style: chr17-7513713-A-G. GRCh37 (hg19) VCF-style: chr17-7417032-A-G.
Other names: short protein forms T1817A.
Identifiers: ClinVar variation 4848243 (VCV004848243.1).